The following is an entry in ClinVar:

NM_001080770.2(KIR2DL4):c.381G>A (p.Ser127=)

Gene: KIR2DL4 (killer cell immunoglobulin like receptor, two Ig domains and long cytoplasmic tail 4). Cytogenetic location: 19q13.42.
Variant type: single nucleotide variant.
Coding change: c.381G>A on transcript NM_001080770.2 (MANE Select); coding-DNA position 381, G replaced by A.
Protein change: p.Ser127=; no amino-acid change (serine 127 retained).
Molecular consequence: synonymous variant.
Genome position (GRCh38, 1-based): chr19:54,805,970, G>A. VCF-style: chr19-54805970-G-A. GRCh37 (hg19) VCF-style: chr19-55317425-G-A.
Other names: c.381G>A, p.Ser127= (NM_001080772.2).
Identifiers: ClinVar variation 2650473 (VCV002650473.24), dbSNP rs201419800, ClinGen allele CA309908037.

ClinVar aggregate classification (germline): Likely benign (1 of 4 stars; one submission).

gnomAD v4.1: 307 of 1,606,422 alleles (0.019%); highest among the groups gnomAD compares: Middle Eastern, 0.017%; 7 homozygotes.

Submission:

CeGaT Center for Human Genetics Tuebingen
Classification: Likely benign. Last evaluated: 2023-08-01. Review status: criteria provided, single submitter. Criteria: CeGaT Center For Human Genetics Tuebingen Variant Classification Criteria Version 2. Collection method: clinical testing. Allele origin: germline. Affected: yes. Observed: 3 variant alleles.
Comment: KIR2DL4: BP4, BP7